The following is an entry in ClinVar:

NM_015404.4(WHRN):c.1465G>A (p.Glu489Lys)

Gene: WHRN (whirlin; minus strand). Cytogenetic location: 9q32.
Variant type: single nucleotide variant.
Coding change: c.1465G>A on transcript NM_015404.4 (MANE Select); coding-DNA position 1465, G replaced by A.
Protein change: p.Glu489Lys; replaces glutamic acid 489 with lysine.
Molecular consequence: missense variant.
Genome position (GRCh38, 1-based): chr9:114,423,475, C>T on the plus strand (G>A on the coding strand, the complement: WHRN is on the minus strand). VCF-style: chr9-114423475-C-T. GRCh37 (hg19) VCF-style: chr9-117185755-C-T.
Other names: c.316G>A, p.Glu106Lys (NM_001083885.3); c.1465G>A, p.Glu489Lys (NM_001173425.2); c.412G>A, p.Glu138Lys (NM_001346890.1); short protein forms E106K, E138K, E489K.
Identifiers: ClinVar variation 2043916 (VCV002043916.4), dbSNP rs2491766239, ClinGen allele CA374607544.

ClinVar aggregate classification (germline): Uncertain significance (1 of 4 stars; one submission).

Submission:

Labcorp Genetics (formerly Invitae), Labcorp
Classification: Uncertain significance. Last evaluated: 2021-12-15. Review status: criteria provided, single submitter. Criteria: Invitae Variant Classification Sherloc (09022015). Collection method: clinical testing. Allele origin: germline.
Comment: In summary, the available evidence is currently insufficient to determine the role of this variant in disease. Therefore, it has been classified as a Variant of Uncertain Significance. Algorithms developed to predict the effect of missense changes on protein structure and function (SIFT, PolyPhen-2, Align-GVGD) all suggest that this variant is likely to be tolerated. This variant has not been reported in the literature in individuals affected with WHRN-related conditions. This variant is not present in population databases (gnomAD no frequency). This sequence change replaces glutamic acid, which is acidic and polar, with lysine, which is basic and polar, at codon 489 of the WHRN protein (p.Glu489Lys).